The following is an entry in ClinVar:

ClinVar aggregate classification (germline): Uncertain significance (1 of 4 stars; one submission).

Conditions:
NRP2-related disorder. Also called: NRP2-related condition.

Submission:

PreventionGenetics, part of Exact Sciences
Classification: Uncertain significance for NRP2-related condition. Last evaluated: 2024-12-18. Review status: criteria provided, single submitter. Criteria: ACMG Guidelines, 2015. Collection method: clinical testing. Allele origin: germline.
Comment: The NRP2 c.1275C>G variant is predicted to result in the amino acid substitution p.Phe425Leu. To our knowledge, this variant has not been reported in the literature or in a large population database (gnomAD), indicating this variant is rare. At this time, the clinical significance of this variant is uncertain due to the absence of conclusive functional and genetic evidence.

NM_003872.3(NRP2):c.1275C>G (p.Phe425Leu)

Gene: NRP2 (neuropilin 2; plus strand). Cytogenetic location: 2q33.3.
Variant type: single nucleotide variant.
Coding change: c.1275C>G on transcript NM_003872.3 (MANE Select); coding-DNA position 1275, C replaced by G.
Protein change: p.Phe425Leu; replaces phenylalanine 425 with leucine.
Molecular consequence: missense variant.
Genome position (GRCh38, 1-based): chr2:205,740,647, C>G. VCF-style: chr2-205740647-C-G. GRCh37 (hg19) VCF-style: chr2-206605371-C-G.
Other names: c.1275C>G, p.Phe425Leu (NM_018534.4, NM_201264.2, NM_201266.2 and 2 more transcripts); short protein forms F425L.
Identifiers: ClinVar variation 5001948 (VCV005001948.1).